The following is an entry in ClinVar:

ClinVar aggregate classification (germline): Likely benign (1 of 4 stars; one submission).

Submission:

CeGaT Center for Human Genetics Tuebingen
Classification: Likely benign. Last evaluated: 2025-10-01. Review status: criteria provided, single submitter. Criteria: CeGaT Center For Human Genetics Tuebingen Variant Classification Criteria Version 2. Collection method: clinical testing. Allele origin: germline. Affected: yes. Observed: 1 variant allele.
Comment: KIF7: BP4, BP7

NM_198525.3(KIF7):c.2115G>A (p.Gln705=)

Gene: KIF7 (kinesin family member 7; minus strand). Cytogenetic location: 15q26.1.
Variant type: single nucleotide variant.
Coding change: c.2115G>A on transcript NM_198525.3 (MANE Select); coding-DNA position 2115, G replaced by A.
Protein change: p.Gln705=; no amino-acid change (glutamine 705 retained).
Molecular consequence: synonymous variant.
Genome position (GRCh38, 1-based): chr15:89,645,089, C>T on the plus strand (G>A on the coding strand, the complement: KIF7 is on the minus strand). VCF-style: chr15-89645089-C-T. GRCh37 (hg19) VCF-style: chr15-90188320-C-T.
Identifiers: ClinVar variation 4534491 (VCV004534491.6).
Genomic context (GRCh38, chr15:89,645,089, plus strand): 5'-GCCAATAAGCTCCTCCTTCATGCGGATGTTGATAGCCAGCTCCCGGATCTTCTGCTGGGC[C>T]TGGGCCAGCCGCCACTCTGAGGCTGTGGCAGGGGGGACCTGGCGGGCCTGAACTCGGGCC-3'
Protein context (NP_940927.2, residues 695-715): PATASEWRLA[Gln705=]AQQKIRELAI